The following is an entry in ClinVar:

ClinVar aggregate classification (germline): Uncertain significance. Review status: criteria provided, multiple submitters, no conflicts (2 of 4 stars). 3 submissions from 3 submitters: Uncertain significance (3). Last evaluated 2023-09-08.

Conditions:
Cardiovascular phenotype. Identifiers: MedGen CN230736.
Myofibrillar myopathy 4. Also called: Zaspopathy (type). Identifiers: Orphanet 98912, MedGen C4721886, MONDO:0012277, OMIM 609452.

Allele frequency attached by ClinVar (database versions not stated): gnomAD 0.00001; TOPMed 0.00001; gnomAD exomes 0.00002; ExAC 0.00003.

Submissions (3):

Ambry Genetics
Classification: Uncertain significance for Cardiovascular phenotype. Last evaluated: 2023-09-08. Review status: criteria provided, single submitter. Criteria: Ambry Variant Classification Scheme 2023. Collection method: clinical testing. Allele origin: germline.
Comment: The p.T91M variant (also known as c.272C>T), located in coding exon 3 of the LDB3 gene, results from a C to T substitution at nucleotide position 272. The threonine at codon 91 is replaced by methionine, an amino acid with similar properties. This amino acid position is well conserved in available vertebrate species; however, methionine is the reference amino acid in other vertebrate species. In addition, this alteration is predicted to be tolerated by in silico analysis. Since supporting evidence is limited at this time, the clinical significance of this alteration remains unclear.

GeneDx
Classification: Uncertain significance. Last evaluated: 2023-01-10. Review status: criteria provided, single submitter. Criteria: GeneDx Variant Classification Process June 2021. Collection method: clinical testing. Allele origin: germline. Affected: yes.
Comment: In silico analysis supports that this missense variant has a deleterious effect on protein structure/function; Has not been previously published as pathogenic or benign to our knowledge

Labcorp Genetics (formerly Invitae), Labcorp
Classification: Uncertain significance for Myofibrillar myopathy 4. Last evaluated: 2017-09-03. Review status: criteria provided, single submitter. Criteria: Invitae Variant Classification Sherloc (09022015). Collection method: clinical testing. Allele origin: germline.
Comment: In summary, the available evidence is currently insufficient to determine the role of this variant in disease. Therefore, it has been classified as a Variant of Uncertain Significance. Algorithms developed to predict the effect of missense changes on protein structure and function do not agree on the potential impact of this missense change (SIFT: "Deleterious"; PolyPhen-2: "Benign"; Align-GVGD: "Class C0"). This variant has not been reported in the literature in individuals with LDB3-related disease. This variant is present in population databases (rs769237367, ExAC 0.01%). This sequence change replaces threonine with methionine at codon 91 of the LDB3 protein (p.Thr91Met). The threonine residue is moderately conserved and there is a moderate physicochemical difference between threonine and methionine.

NM_007078.3(LDB3):c.272C>T (p.Thr91Met)

Gene: LDB3 (LIM domain binding 3; plus strand). Cytogenetic location: 10q23.2.
Variant type: single nucleotide variant.
Coding change: c.272C>T on transcript NM_007078.3 (MANE Select); coding-DNA position 272, C replaced by T.
Protein change: p.Thr91Met; replaces threonine 91 with methionine.
Molecular consequence: missense variant.
Genome position (GRCh38, 1-based): chr10:86,680,108, C>T. VCF-style: chr10-86680108-C-T. GRCh37 (hg19) VCF-style: chr10-88439865-C-T.
Other names: c.272C>T, p.Thr91Met (NM_001080116.1, NM_001080114.2, NM_001080115.2 and 8 more transcripts); c.272C>T (NM_007078.2); short protein forms T91M.
Identifiers: ClinVar variation 532933 (VCV000532933.13), dbSNP rs769237367, ClinGen allele CA5584634.